The following is an entry in ClinVar:

NM_000053.4(ATP7B):c.2984T>C (p.Val995Ala)

Gene: ATP7B (ATPase copper transporting beta; minus strand). Cytogenetic location: 13q14.3.
Variant type: single nucleotide variant.
Coding change: c.2984T>C on transcript NM_000053.4 (MANE Select); coding-DNA position 2984, T replaced by C.
Protein change: p.Val995Ala; replaces valine 995 with alanine.
Molecular consequence: missense variant.
Genome position (GRCh38, 1-based): chr13:51,946,360, A>G on the plus strand (T>C on the coding strand, the complement: ATP7B is on the minus strand). VCF-style: chr13-51946360-A-G. GRCh37 (hg19) VCF-style: chr13-52520496-A-G.
Other names: c.2363T>C, p.Val788Ala (NM_001005918.3); c.2651T>C, p.Val884Ala (NM_001243182.2); c.2750T>C, p.Val917Ala (NM_001330578.2); c.2732T>C, p.Val911Ala (NM_001330579.2); short protein forms V995A, V788A, V911A, V917A, V884A.
Identifiers: ClinVar variation 556921 (VCV000556921.11), dbSNP rs777791532, ClinGen allele CA6988847.

ClinVar aggregate classification (germline): Likely pathogenic. Review status: criteria provided, multiple submitters, no conflicts (2 of 4 stars). 4 submissions from 4 submitters: Likely pathogenic (3). 1 of the submissions does not count toward it. Last evaluated 2026-01-22.

Conditions:
Wilson disease (WND). Also called: Wilson's disease. Identifiers: Orphanet 905, MedGen C0019202, MONDO:0010200, OMIM 277900. Disease mechanism: loss of function.

Allele frequency attached by ClinVar (database versions not stated): ExAC 0.00002; gnomAD exomes 0.00002.
gnomAD v4.1: 22 of 1,613,018 alleles (0.0014%); highest among the groups gnomAD compares: South Asian, 0.02%; no homozygotes.

Submissions (4):

Natera, Inc.
Classification: Likely pathogenic for Wilson disease. Last evaluated: 2026-01-22. Review status: criteria provided, single submitter. Criteria: Natera Variant Classification Schema (03/2026). Collection method: clinical testing. Allele origin: germline.
Comment: The c.2984T>C variant in ATP7B is a missense variant predicted to cause substitution of valine to alanine at amino acid 995. This variant is rare in the general population with a frequency below the threshold expected for the associated phenotype(s). This variant has been observed in one or more individuals affected with the associated recessive disease, as either homozygous or compound heterozygous with a second variant (PMID: 23518715). This variant has been identified in one or more affected individual with a phenotype highly consistent with the associated gene (PMID: 23518715). Computational prediction algorithms indicate this variant is likely to affect gene or protein function. Given the available evidence, this variant is classified as Likely Pathogenic.

Women's Health and Genetics/Laboratory Corporation of America, LabCorp
Classification: Likely pathogenic for Wilson disease. Last evaluated: 2025-08-25. Review status: criteria provided, single submitter. Criteria: LabCorp Variant Classification Summary - May 2015. Collection method: clinical testing. Allele origin: germline.
Comment: Variant summary: ATP7B c.2984T>C (p.Val995Ala) results in a non-conservative amino acid change in the encoded protein sequence. Algorithms developed to predict the effect of missense changes on protein structure and function all suggest that this variant is likely to be disruptive. The variant allele was found at a frequency of 1.6e-05 in 247532 control chromosomes. c.2984T>C has been reported in the literature in compound heterozygous individuals affected with Wilson Disease (e.g. Coffey_2013). These data indicate that the variant may be associated with disease. At least one publication reports experimental evidence evaluating an impact on protein function. These results showed no damaging effect of this variant in a yeast complementation assay (e.g. Forbes_1998). The following publications have been ascertained in the context of this evaluation (PMID: 23518715, 9837819, 7626145, 15337266). ClinVar contains an entry for this variant (Variation ID: 556921). Based on the evidence outlined above, the variant was classified as likely pathogenic.

Labcorp Genetics (formerly Invitae), Labcorp
Classification: Likely pathogenic for Wilson disease. Last evaluated: 2024-09-12. Review status: criteria provided, single submitter. Criteria: Invitae Variant Classification Sherloc (09022015). Collection method: clinical testing. Allele origin: germline.
Comment: This sequence change replaces valine, which is neutral and non-polar, with alanine, which is neutral and non-polar, at codon 995 of the ATP7B protein (p.Val995Ala). This variant is present in population databases (rs777791532, gnomAD 0.01%). This missense change has been observed in individual(s) with Wilson disease (PMID: 23518715). In at least one individual the data is consistent with being in trans (on the opposite chromosome) from a pathogenic variant. ClinVar contains an entry for this variant (Variation ID: 556921). Invitae Evidence Modeling of protein sequence and biophysical properties (such as structural, functional, and spatial information, amino acid conservation, physicochemical variation, residue mobility, and thermodynamic stability) indicates that this missense variant is expected to disrupt ATP7B protein function with a positive predictive value of 80%. Experimental studies have shown that this missense change does not substantially affect ATP7B function (PMID: 9837819). In summary, the currently available evidence indicates that the variant is pathogenic, but additional data are needed to prove that conclusively. Therefore, this variant has been classified as Likely Pathogenic.

Counsyl
Classification: Uncertain significance for Wilson disease. Last evaluated: 2018-02-27. Review status: no assertion criteria provided. Collection method: clinical testing. Allele origin: unknown. Not counted in ClinVar's aggregate classification.

Literature cited by the submitters: PubMed 23518715 (cited by 4 submitters); PubMed 7626145 (cited by Women's Health and Genetics/Laboratory Corporation of America, LabCorp and Counsyl); PubMed 9837819 (cited by 3 submitters); PubMed 15337266 (cited by Women's Health and Genetics/Laboratory Corporation of America, LabCorp and Counsyl); PubMed 24253677 (cited by Counsyl); PubMed 22692182 (cited by Counsyl).